The following is an entry in ClinVar:

NM_000260.4(MYO7A):c.4441+6C>T

Gene: MYO7A (myosin VIIA; plus strand). Cytogenetic location: 11q13.5.
Variant type: single nucleotide variant.
Coding change: c.4441+6C>T on transcript NM_000260.4 (MANE Select); 6 bases into the intron after coding-DNA position 4441, C replaced by T.
Molecular consequence: intron variant.
Genome position (GRCh38, 1-based): chr11:77,197,604, C>T. VCF-style: chr11-77197604-C-T. GRCh37 (hg19) VCF-style: chr11-76908649-C-T.
Other names: c.4408+6C>T (NM_001369365.1); c.4441+6C>T (NM_001127180.2).
Identifiers: ClinVar variation 4712208 (VCV004712208.1).

ClinVar aggregate classification (germline): Uncertain significance (1 of 4 stars; one submission).

Submission:

Labcorp Genetics (formerly Invitae), Labcorp
Classification: Uncertain significance. Last evaluated: 2025-08-01. Review status: criteria provided, single submitter. Criteria: Invitae Variant Classification Sherloc (09022015). Collection method: clinical testing. Allele origin: germline.
Comment: This sequence change falls in intron 33 of the MYO7A gene. It does not directly change the encoded amino acid sequence of the MYO7A protein. It affects a nucleotide within the consensus splice site. This variant is not present in population databases (gnomAD no frequency). This variant has not been reported in the literature in individuals affected with MYO7A-related conditions. Variants that disrupt the consensus splice site are a relatively common cause of aberrant splicing (PMID: 17576681, 9536098). Algorithms developed to predict the effect of sequence changes on RNA splicing suggest that this variant is not likely to affect RNA splicing. In summary, the available evidence is currently insufficient to determine the role of this variant in disease. Therefore, it has been classified as a Variant of Uncertain Significance.

Literature cited by the submitters: PubMed 17576681; PubMed 9536098.